The following is an entry in ClinVar:

ClinVar aggregate classification (germline): Uncertain significance. Review status: reviewed by expert panel (3 of 4 stars). 2 submissions from 2 submitters: Uncertain significance (1). 1 of the submissions does not count toward it. Last evaluated 2024-04-23.

Conditions:
Recombinase activating gene 1 deficiency. Identifiers: MedGen CN375631, MONDO:0000572.
Severe combined immunodeficiency, autosomal recessive, T cell-negative, B cell-negative, NK cell-positive. Also called: SCID, T CELL-NEGATIVE, B CELL-NEGATIVE, NK CELL-POSITIVE; Severe combined immunodeficiency due to complete RAG1/2 deficiency; SCID, AR, T-cell negative, B-cell negative, NK cell-positive. Identifiers: Orphanet 331206, MedGen C1832322, MONDO:0011086, OMIM 601457.
Combined immunodeficiency with skin granulomas. Identifiers: Orphanet 157949, MedGen C2673536, MONDO:0009306, OMIM 233650.

Allele frequency attached by ClinVar (database versions not stated): gnomAD exomes below 0.00001; gnomAD 0.00001; TOPMed 0.00003.
gnomAD v4.1: 3 of 1,614,008 alleles (0.00019%); highest among the groups gnomAD compares: African/African-American, 0.0027%; no homozygotes.

Submissions (2):

ClinGen Severe Combined Immunodeficiency Variant Curation Expert Panel, ClinGen
Classification: Uncertain significance for Recombinase activating gene 1 deficiency. Last evaluated: 2024-04-23. Review status: reviewed by expert panel. Criteria: ClinGen SCID ACMG Specifications RAG1 V1.0.0. Collection method: curation. Allele origin: germline. Inheritance: Autosomal recessive inheritance.
Comment: The NM_000448.3:c.82T>C variant in RAG1 is a missense variant predicted to cause a substitution of tryptophan by arginine at amino acid 28 (p.Trp28Arg). This variant is absent from gnomAD v2.1.1 (PM2_Supporting). This variant has not been reported in the literature in individuals with SCID. In ClinVar, the variant was reported in one affected individual who didn't have a second RAG1 variant, and the variant was classified as a Variant of Uncertain Significance (Invitae, SCV001210547.4). There is no functional evidence for this variant. Due to insufficient evidence, this variant is classified as a variant of uncertain significance for SCID. ACMG/AMP criteria applied, as specified by the ClinGen SCID-VCEP: PM2_supporting (SCID VCEP specifications version 1.0).

Labcorp Genetics (formerly Invitae), Labcorp
Classification: Uncertain significance for Combined immunodeficiency with skin granulomas; Severe combined immunodeficiency, autosomal recessive, T cell-negative, B cell-negative, NK cell-positive. Last evaluated: 2019-01-20. Review status: criteria provided, single submitter. Criteria: Invitae Variant Classification Sherloc (09022015). Collection method: clinical testing. Allele origin: germline. Not counted in ClinVar's aggregate classification.
Comment: In summary, the available evidence is currently insufficient to determine the role of this variant in disease. Therefore, it has been classified as a Variant of Uncertain Significance. Algorithms developed to predict the effect of missense changes on protein structure and function are either unavailable or do not agree on the potential impact of this missense change (SIFT: "Deleterious"; PolyPhen-2: "Probably Damaging"; Align-GVGD: "Class C0"). This variant has not been reported in the literature in individuals with RAG1-related conditions. This variant is not present in population databases (ExAC no frequency). This sequence change replaces tryptophan with arginine at codon 28 of the RAG1 protein (p.Trp28Arg). The tryptophan residue is highly conserved and there is a moderate physicochemical difference between tryptophan and arginine.

NM_000448.3(RAG1):c.82T>C (p.Trp28Arg)

Gene: RAG1 (recombination activating 1; plus strand). Cytogenetic location: 11p12.
Variant type: single nucleotide variant.
Coding change: c.82T>C on transcript NM_000448.3 (MANE Select); coding-DNA position 82, T replaced by C.
Protein change: p.Trp28Arg; replaces tryptophan 28 with arginine.
Molecular consequence: missense variant.
Genome position (GRCh38, 1-based): chr11:36,573,386, T>C. VCF-style: chr11-36573386-T-C. GRCh37 (hg19) VCF-style: chr11-36594936-T-C.
Other names: NM_000448.3(RAG1):c.82T>C; p.Trp28Arg; c.82T>C, p.Trp28Arg (NM_001377277.1, NM_001377278.1, NM_001377279.1 and 1 more transcripts); short protein forms W28R.
Identifiers: ClinVar variation 843919 (VCV000843919.9), dbSNP rs1274599533, ClinGen allele CA380145403.
Genomic context (GRCh38, chr11:36,573,386, plus strand): 5'-ACCTTGGGACTCAGTTCTGCCCCAGATGAAATTCAGCACCCACATATTAAATTTTCAGAA[T>C]GGAAATTTAAGCTGTTCCGGGTGAGATCCTTTGAAAAGACACCTGAAGAAGCTCAAAAGG-3'
Protein context (NP_000439.2, residues 18-38): IQHPHIKFSE[Trp28Arg]KFKLFRVRSF